The following is an entry in ClinVar:

NM_004656.4(BAP1):c.452dup (p.His151fs)

Gene: BAP1 (BRCA1 associated deubiquitinase 1; minus strand). Cytogenetic location: 3p21.1.
Variant type: Duplication.
Coding change: c.452dup on transcript NM_004656.4 (MANE Select); coding-DNA position 452, one base duplicated (A; older notation c.452dupA).
Protein change: p.His151fs; shifts the reading frame from histidine 151.
Molecular consequence: frameshift variant.
Genome position (GRCh38, 1-based): chr3:52,407,302, T duplicated on the plus strand (A on the coding strand, the reverse complement: BAP1 is on the minus strand). VCF-style (leftmost placement, unchanged base first): chr3-52407301-G-GT. GRCh37 (hg19) VCF-style: chr3-52441317-G-GT.
Other names: short protein forms H151fs.
Identifiers: ClinVar variation 1458368 (VCV001458368.6), dbSNP rs2153227868, ClinGen allele CA2573137348.

ClinVar aggregate classification (germline): Pathogenic (1 of 4 stars; one submission).

Conditions:
BAP1-related tumor predisposition syndrome (TPDS1). Also called: Tumor susceptibility linked to germline BAP1 mutations; BAP1 tumor predisposition syndrome; TUMOR PREDISPOSITION SYNDROME 1; COMMON Syndrome. Identifiers: Orphanet 289539, MedGen C3280492, MONDO:0013692, OMIM 614327.

Submission:

Labcorp Genetics (formerly Invitae), Labcorp
Classification: Pathogenic for BAP1-related tumor predisposition syndrome. Last evaluated: 2020-12-12. Review status: criteria provided, single submitter. Criteria: Invitae Variant Classification Sherloc (09022015). Collection method: clinical testing. Allele origin: germline.
Comment: This variant is not present in population databases (ExAC no frequency). This sequence change creates a premature translational stop signal (p.His151Glnfs*4) in the BAP1 gene. It is expected to result in an absent or disrupted protein product. Loss-of-function variants in BAP1 are known to be pathogenic (PMID: 21874000, 23684012). This variant has not been reported in the literature in individuals with BAP1-related conditions. For these reasons, this variant has been classified as Pathogenic.

Literature cited by the submitters: PubMed 21874000; PubMed 23684012.